The following is an entry in ClinVar:

ClinVar aggregate classification (germline): Likely pathogenic. Review status: criteria provided, single submitter (1 of 4 stars). 3 submissions from 3 submitters: Likely pathogenic (1). 2 of the submissions do not count toward it. Last evaluated 2025-05-23.

Conditions:
Dilated cardiomyopathy 1G (CMD1G). Identifiers: Orphanet 154, MedGen C1858763, MONDO:0011400, OMIM 604145.
Autosomal recessive limb-girdle muscular dystrophy type 2J (LGMDR10). Also called: MUSCULAR DYSTROPHY, LIMB-GIRDLE, AUTOSOMAL RECESSIVE 10; Limb-girdle muscular dystrophy, type 2J. Identifiers: Orphanet 140922, MedGen C1837342, MONDO:0012127, OMIM 608807.

Submissions (3):

Labcorp Genetics (formerly Invitae), Labcorp
Classification: Likely pathogenic for Dilated cardiomyopathy 1G; Autosomal recessive limb-girdle muscular dystrophy type 2J. Last evaluated: 2025-05-23. Review status: criteria provided, single submitter. Criteria: Invitae Variant Classification Sherloc (09022015). Collection method: clinical testing. Allele origin: germline.
Comment: This sequence change creates a premature translational stop signal (p.Gln20042*) in the TTN gene. While this is not anticipated to result in nonsense mediated decay, it is expected to create a truncated TTN protein. This variant is not present in population databases (gnomAD no frequency). This premature translational stop signal has been observed in individual(s) with dilated cardiomyopathy (internal data). ClinVar contains an entry for this variant (Variation ID: 1299961). Algorithms developed to predict the effect of sequence changes on RNA splicing suggest that this variant may disrupt the consensus splice site. This variant is located in the A band of TTN (PMID: 25589632). Truncating variants in this region are significantly overrepresented in patients affected with dilated cardiomyopathy (PMID: 25589632). Truncating variants in this region have also been reported in individuals affected with autosomal recessive centronuclear myopathy (PMID: 23975875). In summary, the currently available evidence indicates that the variant is pathogenic, but additional data are needed to prove that conclusively. Therefore, this variant has been classified as Likely Pathogenic.

Clinical Genetics DNA and cytogenetics Diagnostics Lab, Erasmus MC, Erasmus Medical Center
Classification: Likely pathogenic. Review status: no assertion criteria provided. Collection method: clinical testing. Allele origin: germline. Affected: yes. Study: VKGL Data-share Consensus. Not counted in ClinVar's aggregate classification.

Joint Genome Diagnostic Labs from Nijmegen and Maastricht, Radboudumc and MUMC+
Classification: Likely pathogenic. Review status: no assertion criteria provided. Collection method: clinical testing. Allele origin: germline. Affected: yes. Study: VKGL Data-share Consensus. Not counted in ClinVar's aggregate classification.

Literature cited by the submitters: PubMed 25589632 (cited by Labcorp Genetics (formerly Invitae), Labcorp); PubMed 23975875 (cited by Labcorp Genetics (formerly Invitae), Labcorp).

NM_001267550.2(TTN):c.60124C>T (p.Gln20042Ter)

Genes: TTN-AS1 (TTN antisense RNA 1; plus strand), TTN (titin; minus strand), LOC126806424 (CDK7 strongly-dependent group 2 enhancer GRCh37_chr2:179456337-179457536; plus strand). Cytogenetic location: 2q31.2.
Variant type: single nucleotide variant.
Coding change: c.60124C>T on transcript NM_001267550.2 (MANE Select); coding-DNA position 60124, C replaced by T.
Protein change: p.Gln20042Ter; replaces glutamine 20042 with a stop codon.
Molecular consequence: nonsense.
Genome position (GRCh38, 1-based): chr2:178,591,695, G>A on the plus strand (C>T on the coding strand, the complement: TTN is on the minus strand). VCF-style: chr2-178591695-G-A. GRCh37 (hg19) VCF-style: chr2-179456422-G-A.
Other names: c.55201C>T, p.Gln18401Ter (NM_001256850.1); c.32929C>T, p.Gln10977Ter (NM_003319.4); c.52420C>T, p.Gln17474Ter (NM_133378.4); c.33304C>T, p.Gln11102Ter (NM_133432.3); c.33505C>T, p.Gln11169Ter (NM_133437.4); short protein forms Q10977*, Q11102*, Q11169*, Q17474*, Q18401*, Q20042*.
Identifiers: ClinVar variation 1299961 (VCV001299961.3), dbSNP rs2154185146, ClinGen allele CA349487075.